The following is an entry in ClinVar:

ClinVar aggregate classification (germline): Likely benign. Review status: criteria provided, multiple submitters, no conflicts (2 of 4 stars). 2 submissions from 2 submitters: Likely benign (2). Last evaluated 2026-01-01.

Allele frequency attached by ClinVar (database versions not stated): gnomAD exomes 0.00001 and 0.00002; ExAC 0.00003; gnomAD 0.00005; 1000 Genomes Project 30x 0.00016; 1000 Genomes Project 0.00020.
gnomAD v4.1: 29 of 1,528,530 alleles (0.0019%); highest among the groups gnomAD compares: South Asian, 0.036%; no homozygotes.

Submissions (2):

CeGaT Center for Human Genetics Tuebingen
Classification: Likely benign. Last evaluated: 2026-01-01. Review status: criteria provided, single submitter. Criteria: CeGaT Center For Human Genetics Tuebingen Variant Classification Criteria Version 2. Collection method: clinical testing. Allele origin: germline. Affected: yes. Observed: 1 variant allele.
Comment: RUSC2: BP4, BP7

Labcorp Genetics (formerly Invitae), Labcorp
Classification: Likely benign. Last evaluated: 2025-09-03. Review status: criteria provided, single submitter. Criteria: Invitae Variant Classification Sherloc (09022015). Collection method: clinical testing. Allele origin: germline.

NM_014806.5(RUSC2):c.4176C>T (p.Ser1392=)

Gene: RUSC2 (RUN and SH3 domain containing 2; plus strand). Cytogenetic location: 9p13.3.
Variant type: single nucleotide variant.
Coding change: c.4176C>T on transcript NM_014806.5 (MANE Select); coding-DNA position 4176, C replaced by T.
Protein change: p.Ser1392=; no amino-acid change (serine 1392 retained).
Molecular consequence: synonymous variant. On other transcripts: non-coding transcript variant (1).
Genome position (GRCh38, 1-based): chr9:35,560,816, C>T. VCF-style: chr9-35560816-C-T. GRCh37 (hg19) VCF-style: chr9-35560813-C-T.
Other names: c.4176C>T, p.Ser1392= (NM_001135999.2); c.1542C>T, p.Ser514= (NM_001330740.2).
Identifiers: ClinVar variation 1667094 (VCV001667094.12), dbSNP rs555705561, ClinGen allele CA5044302.
Genomic context (GRCh38, chr9:35,560,816, plus strand): 5'-TGAGGAAGGGGCCTCAGAGCCTTCACCTGGAGGCATCAAGTGGGGACACCTCTTTGGCTC[C>T]CGAAAAGCCCAGCGGGAGGCCCGGCCCACAAATAGGTGAGAGCCTGCCCATGGTAGGGAT-3'
Protein context (NP_055621.2, residues 1382-1402): GGIKWGHLFG[Ser1392=]RKAQREARPT